The following is an entry in ClinVar:

NM_007074.4(CORO1A):c.844G>C (p.Val282Leu)

Gene: CORO1A (coronin 1A; plus strand). Cytogenetic location: 16p11.2.
Variant type: single nucleotide variant.
Coding change: c.844G>C on transcript NM_007074.4 (MANE Select); coding-DNA position 844, G replaced by C.
Protein change: p.Val282Leu; replaces valine 282 with leucine.
Molecular consequence: missense variant.
Genome position (GRCh38, 1-based): chr16:30,187,812, G>C. VCF-style: chr16-30187812-G-C. GRCh37 (hg19) VCF-style: chr16-30199133-G-C.
Other names: c.844G>C, p.Val282Leu (NM_001193333.3); short protein forms V282L.
Identifiers: ClinVar variation 863579 (VCV000863579.11), dbSNP rs763606361, ClinGen allele CA8003273.

ClinVar aggregate classification (germline): Uncertain significance. Review status: criteria provided, multiple submitters, no conflicts (2 of 4 stars). 3 submissions from 3 submitters: Uncertain significance (3). Last evaluated 2026-01-23.

Conditions:
Severe combined immunodeficiency due to CORO1A deficiency. Also called: IMMUNODEFICIENCY 8 WITH LYMPHOPROLIFERATION; Immunodeficiency 8. Identifiers: Orphanet 228003, MedGen C3809383, MONDO:0014168, OMIM 615401.
Inborn genetic diseases. Identifiers: MedGen C0950123, MeSH D030342.

Allele frequency attached by ClinVar (database versions not stated): ExAC 0.00002; TOPMed 0.00002; gnomAD exomes 0.00003.

Submissions (3):

Women's Health and Genetics/Laboratory Corporation of America, LabCorp
Classification: Uncertain significance. Last evaluated: 2026-01-23. Review status: criteria provided, single submitter. Criteria: LabCorp Variant Classification Summary - May 2015. Collection method: clinical testing. Allele origin: germline.

Labcorp Genetics (formerly Invitae), Labcorp
Classification: Uncertain significance for Severe combined immunodeficiency due to CORO1A deficiency. Last evaluated: 2024-12-03. Review status: criteria provided, single submitter. Criteria: Invitae Variant Classification Sherloc (09022015). Collection method: clinical testing. Allele origin: germline.
Comment: This sequence change replaces valine, which is neutral and non-polar, with leucine, which is neutral and non-polar, at codon 282 of the CORO1A protein (p.Val282Leu). This variant is present in population databases (rs763606361, gnomAD 0.02%). This variant has not been reported in the literature in individuals affected with CORO1A-related conditions. ClinVar contains an entry for this variant (Variation ID: 863579). Invitae Evidence Modeling of protein sequence and biophysical properties (such as structural, functional, and spatial information, amino acid conservation, physicochemical variation, residue mobility, and thermodynamic stability) indicates that this missense variant is not expected to disrupt CORO1A protein function with a negative predictive value of 80%. In summary, the available evidence is currently insufficient to determine the role of this variant in disease. Therefore, it has been classified as a Variant of Uncertain Significance.

Ambry Genetics
Classification: Uncertain significance for Inborn genetic diseases. Last evaluated: 2024-03-07. Review status: criteria provided, single submitter. Criteria: Ambry Variant Classification Scheme 2023. Collection method: clinical testing. Allele origin: germline.